The following is an entry in ClinVar:

ClinVar aggregate classification (germline): Uncertain significance (1 of 4 stars; one submission).

gnomAD v4.1: 2 of 1,612,942 alleles (0.00012%); highest among the groups gnomAD compares: East Asian, 0.0045%; no homozygotes.

Submission:

Labcorp Genetics (formerly Invitae), Labcorp
Classification: Uncertain significance. Last evaluated: 2024-12-31. Review status: criteria provided, single submitter. Criteria: Invitae Variant Classification Sherloc (09022015). Collection method: clinical testing. Allele origin: germline.
Comment: This sequence change replaces phenylalanine, which is neutral and non-polar, with leucine, which is neutral and non-polar, at codon 206 of the OPA1 protein (p.Phe206Leu). This variant is present in population databases (no rsID available, gnomAD 0.006%). This variant has not been reported in the literature in individuals affected with OPA1-related conditions. Invitae Evidence Modeling of protein sequence and biophysical properties (such as structural, functional, and spatial information, amino acid conservation, physicochemical variation, residue mobility, and thermodynamic stability) indicates that this missense variant is not expected to disrupt OPA1 protein function with a negative predictive value of 80%. In summary, the available evidence is currently insufficient to determine the role of this variant in disease. Therefore, it has been classified as a Variant of Uncertain Significance.

NM_130837.3(OPA1):c.672T>G (p.Phe224Leu)

Genes: OPA1 (OPA1 mitochondrial dynamin like GTPase; plus strand), OPA1-AS1 (OPA1 antisense RNA 1; minus strand). Cytogenetic location: 3q29.
Variant type: single nucleotide variant.
Coding change: c.672T>G on transcript NM_130837.3 (MANE Select); coding-DNA position 672, T replaced by G.
Protein change: p.Phe224Leu; replaces phenylalanine 224 with leucine.
Molecular consequence: missense variant.
Genome position (GRCh38, 1-based): chr3:193,618,930, T>G. VCF-style: chr3-193618930-T-G. GRCh37 (hg19) VCF-style: chr3-193336719-T-G.
Other names: c.138T>G, p.Phe46Leu (NM_001354663.2); c.246T>G, p.Phe82Leu (NM_001354664.2); c.618T>G, p.Phe206Leu (NM_015560.3, NM_130836.3); c.510T>G, p.Phe170Leu (NM_130831.3, NM_130833.3); c.564T>G, p.Phe188Leu (NM_130832.3, NM_130835.3); c.672T>G, p.Phe224Leu (NM_130834.3); short protein forms F188L, F224L, F170L, F46L, F206L, F82L.
Identifiers: ClinVar variation 3695527 (VCV003695527.2).